The following is an entry in ClinVar:

ClinVar aggregate classification (germline): Benign. Review status: criteria provided, multiple submitters, no conflicts (2 of 4 stars). 3 submissions from 3 submitters: Benign (3). Last evaluated 2026-01-22.

Conditions:
Retinitis pigmentosa (RP). Identifiers: Orphanet 791, MedGen C0035334, MeSH D012174, MONDO:0019200, OMIM 268000. Inheritance: Autosomal dominant, autosomal recessive and X linked inheritance.

Allele frequency attached by ClinVar (database versions not stated): ExAC 0.00291; gnomAD exomes 0.00311; ESP Exome Variant Server 0.00615; gnomAD 0.00655 and 0.00690; 1000 Genomes Project 0.00699; 1000 Genomes Project 30x 0.00703; TOPMed 0.00707.
gnomAD v4.1: 3,545 of 1,613,928 alleles (0.22%); highest among the groups gnomAD compares: African/African-American, 1.6%; 20 homozygotes.

Submissions (3):

Labcorp Genetics (formerly Invitae), Labcorp
Classification: Benign. Last evaluated: 2026-01-22. Review status: criteria provided, single submitter. Criteria: Invitae Variant Classification Sherloc (09022015). Collection method: clinical testing. Allele origin: germline.

Illumina Laboratory Services, Illumina
Classification: Benign for Retinitis pigmentosa. Last evaluated: 2018-01-13. Review status: criteria provided, single submitter. Criteria: ICSL Variant Classification Criteria 13 December 2019. Collection method: clinical testing. Allele origin: germline.
Comment: This variant was observed in the ICSL laboratory as part of a predisposition screen in an ostensibly healthy population. It had not been previously curated by ICSL or reported in the Human Gene Mutation Database (HGMD: prior to June 1st, 2018), and was therefore a candidate for classification through an automated scoring system. Utilizing variant allele frequency, disease prevalence and penetrance estimates, and inheritance mode, an automated score was calculated to assess if this variant is too frequent to cause the disease. Based on the score and internal cut-off values, a variant classified as benign is not then subjected to further curation. The score for this variant resulted in a classification of benign for this disease.

Breakthrough Genomics
Classification: Benign. Review status: criteria provided, single submitter. Criteria: ACMG Guidelines, 2015. Collection method: not provided. Allele origin: germline. Inheritance: Autosomal dominant inheritance. Affected: yes.

NM_006269.2(RP1):c.2833G>T (p.Val945Leu)

Gene: RP1 (RP1 axonemal microtubule associated; plus strand). Cytogenetic location: 8q12.1.
Variant type: single nucleotide variant.
Coding change: c.2833G>T on transcript NM_006269.2 (MANE Select); coding-DNA position 2833, G replaced by T.
Protein change: p.Val945Leu; replaces valine 945 with leucine.
Molecular consequence: missense variant.
Genome position (GRCh38, 1-based): chr8:54,626,715, G>T. VCF-style: chr8-54626715-G-T. GRCh37 (hg19) VCF-style: chr8-55539275-G-T.
Other names: short protein forms V945L.
Identifiers: ClinVar variation 363285 (VCV000363285.16), dbSNP rs16920621, ClinGen allele CA4751590.